The following is an entry in ClinVar:

NM_001129820.2(SLFN14):c.2207T>C (p.Leu736Pro)

Gene: SLFN14 (schlafen family member 14; minus strand). Cytogenetic location: 17q12.
Variant type: single nucleotide variant.
Coding change: c.2207T>C on transcript NM_001129820.2 (MANE Select); coding-DNA position 2207, T replaced by C.
Protein change: p.Leu736Pro; replaces leucine 736 with proline.
Molecular consequence: missense variant.
Genome position (GRCh38, 1-based): chr17:35,548,771, A>G on the plus strand (T>C on the coding strand, the complement: SLFN14 is on the minus strand). VCF-style: chr17-35548771-A-G. GRCh37 (hg19) VCF-style: chr17-33875790-A-G.
Other names: p.Leu736Pro; short protein forms L736P.
Identifiers: ClinVar variation 2229409 (VCV002229409.3), dbSNP rs372213109, ClinGen allele CA290087066.

ClinVar aggregate classification (germline): Uncertain significance. Review status: criteria provided, multiple submitters, no conflicts (2 of 4 stars). 2 submissions from 2 submitters: Uncertain significance (2). Last evaluated 2025-03-17.

Conditions:
Inborn genetic diseases. Identifiers: MedGen C0950123, MeSH D030342.

Allele frequency attached by ClinVar (database versions not stated): gnomAD 0.00001; TOPMed 0.00002; gnomAD exomes 0.00001; ESP Exome Variant Server 0.00022.
gnomAD v4.1: 20 of 1,551,528 alleles (0.0013%); highest among the groups gnomAD compares: Non-Finnish European, 0.0017%; no homozygotes.

Submissions (2):

Mayo Clinic Laboratories, Mayo Clinic
Classification: Uncertain significance. Last evaluated: 2025-03-17. Review status: criteria provided, single submitter. Criteria: ACMG Guidelines, 2015. Collection method: clinical testing. Allele origin: germline. Observed: 1 variant allele.
Comment: BP4_moderate

Ambry Genetics
Classification: Uncertain significance for Inborn genetic diseases. Last evaluated: 2021-07-09. Review status: criteria provided, single submitter. Criteria: Ambry Variant Classification Scheme 2023. Collection method: clinical testing. Allele origin: germline.